The following is an entry in ClinVar:

NM_021625.5(TRPV4):c.2400C>G (p.Gly800=)

Gene: TRPV4 (transient receptor potential cation channel subfamily V member 4; minus strand). Cytogenetic location: 12q24.11.
Variant type: single nucleotide variant.
Coding change: c.2400C>G on transcript NM_021625.5 (MANE Select); coding-DNA position 2400, C replaced by G.
Protein change: p.Gly800=; no amino-acid change (glycine 800 retained).
Molecular consequence: synonymous variant.
Genome position (GRCh38, 1-based): chr12:109,784,374, G>C on the plus strand (C>G on the coding strand, the complement: TRPV4 is on the minus strand). VCF-style: chr12-109784374-G-C. GRCh37 (hg19) VCF-style: chr12-110222179-G-C.
Other names: c.2298C>G, p.Gly766= (NM_001177431.2); c.2079C>G, p.Gly693= (NM_001177433.2); c.2220C>G, p.Gly740= (NM_147204.3); c.2259C>G, p.Gly753= (NM_001177428.2).
Identifiers: ClinVar variation 988559 (VCV000988559.2), dbSNP rs1889547375, ClinGen allele CA481724031.
Genomic context (GRCh38, chr12:109,784,374, plus strand): 5'-ACCCCTGCGGAGGCGGCCCACGGTATGCGAGAAGCCATAATACTGGTAGGTCTCATTCTT[G>C]CCCGGGTCCTCGTTGATGATGCCCAAGTTCTGGTTCCAGTGAGACCAGTTCACCTCATCC-3'
Protein context (NP_067638.3, residues 790-810): QNLGIINEDP[Gly800=]KNETYQYYGF

ClinVar aggregate classification (germline): Pathogenic (1 of 4 stars; one submission).

Conditions:
Metatropic dysplasia (MTD). Also called: Metatropic dysplasia, nonlethal dominant; Metatropic Dysplasia, TRPV4-Related; METATROPIC DWARFISM. Identifiers: Orphanet 2635, MedGen C0265281, MONDO:0007986, OMIM 156530.

Submission:

Clinical Genetics and Genomics, Karolinska University Hospital
Classification: Pathogenic for Metatropic dysplasia. Last evaluated: 2026-05-21. Review status: criteria provided, single submitter. Criteria: ACMG Guidelines, 2015. Collection method: clinical testing. Allele origin: germline. Inheritance: Autosomal dominant inheritance. Affected: yes. Observed: 1 variant allele.
Comment: We have sequenced cDNA from blood and show that the variant gives rise to a cryptic splice in exon 16 in the TRPV4 gene. This leads to an in-frame deletion of 19 amino acids - r.2399_2458del, p.(Gly800_Arg819del). This variant is not present in population databases (gnomAD no frequency). For these reasons, this variant has been classified as Pathogenic.